The following is an entry in ClinVar:

NM_006904.7(PRKDC):c.7892T>A (p.Val2631Glu)

Gene: PRKDC (protein kinase, DNA-activated, catalytic subunit; minus strand). Cytogenetic location: 8q11.21.
Variant type: single nucleotide variant.
Coding change: c.7892T>A on transcript NM_006904.7 (MANE Select); coding-DNA position 7892, T replaced by A.
Protein change: p.Val2631Glu; replaces valine 2631 with glutamic acid.
Molecular consequence: missense variant.
Genome position (GRCh38, 1-based): chr8:47,836,397, A>T on the plus strand (T>A on the coding strand, the complement: PRKDC is on the minus strand). VCF-style: chr8-47836397-A-T. GRCh37 (hg19) VCF-style: chr8-48748958-A-T.
Other names: c.7892T>A, p.Val2631Glu (NM_001081640.2); short protein forms V2631E.
Identifiers: ClinVar variation 940530 (VCV000940530.7), dbSNP rs367945650, ClinGen allele CA4739995.

ClinVar aggregate classification (germline): Uncertain significance (1 of 4 stars; one submission).

Conditions:
Severe combined immunodeficiency due to DNA-PKcs deficiency. Also called: IMMUNODEFICIENCY 26 WITH NEUROLOGIC ABNORMALITIES; Immunodeficiency 26 with or without neurologic abnormalities. Identifiers: Orphanet 317425, MedGen C4014833, MONDO:0014423, OMIM 615966.

Allele frequency attached by ClinVar (database versions not stated): ExAC 0.00003; gnomAD 0.00004; gnomAD exomes 0.00007 and 0.00015; TOPMed 0.00007; ESP Exome Variant Server 0.00008.
gnomAD v4.1: 229 of 1,611,378 alleles (0.014%); highest among the groups gnomAD compares: Non-Finnish European, 0.018%; no homozygotes.

Submission:

Labcorp Genetics (formerly Invitae), Labcorp
Classification: Uncertain significance for Severe combined immunodeficiency due to DNA-PKcs deficiency. Last evaluated: 2022-06-23. Review status: criteria provided, single submitter. Criteria: Invitae Variant Classification Sherloc (09022015). Collection method: clinical testing. Allele origin: germline.
Comment: This sequence change replaces valine, which is neutral and non-polar, with glutamic acid, which is acidic and polar, at codon 2631 of the PRKDC protein (p.Val2631Glu). This variant is present in population databases (rs367945650, gnomAD 0.01%). This variant has not been reported in the literature in individuals affected with PRKDC-related conditions. ClinVar contains an entry for this variant (Variation ID: 940530). In summary, the available evidence is currently insufficient to determine the role of this variant in disease. Therefore, it has been classified as a Variant of Uncertain Significance.